The following is an entry in ClinVar:

ClinVar aggregate classification (germline): Likely benign (1 of 4 stars; one submission).

Allele frequency attached by ClinVar (database versions not stated): 1000 Genomes Project 0.01078; 1000 Genomes Project 30x 0.01156; TOPMed 0.01280.
gnomAD v4.1: 2,203 of 152,196 alleles (1.4%); highest among the groups gnomAD compares: South Asian, 2.8%; 27 homozygotes.

Submission:

GeneDx
Classification: Likely benign. Last evaluated: 2018-08-12. Review status: criteria provided, single submitter. Criteria: GeneDx Variant Classification Process June 2021. Collection method: clinical testing. Allele origin: germline. Affected: yes.
Comment: See Variant Classification Assertion Criteria.

NM_198053.3(CD247):c.220-184C>G

Gene: CD247 (CD247 molecule; minus strand). Cytogenetic location: 1q24.2.
Variant type: single nucleotide variant.
Coding change: c.220-184C>G on transcript NM_198053.3 (MANE Select); 184 bases into the intron before coding-DNA position 220, C replaced by G.
Molecular consequence: intron variant.
Genome position (GRCh38, 1-based): chr1:167,438,834, G>C on the plus strand (C>G on the coding strand, the complement: CD247 is on the minus strand). VCF-style: chr1-167438834-G-C. GRCh37 (hg19) VCF-style: chr1-167408071-G-C.
Other names: c.220-184C>G (NM_000734.4); c.313-184C>G (NM_001378516.1, NM_001378515.1).
Identifiers: ClinVar variation 1707340 (VCV001707340.2), dbSNP rs79939937, ClinGen allele CA31992158.